The following is an entry in ClinVar:

ClinVar aggregate classification (germline): Uncertain significance. Review status: criteria provided, multiple submitters, no conflicts (2 of 4 stars). 3 submissions from 3 submitters: Uncertain significance (3). Last evaluated 2024-04-29.

Conditions:
Maturity-onset diabetes of the young type 3. Also called: MODY, type III; MODY type 3. Identifiers: Orphanet 552, MedGen C1838100, MeSH C563933, MONDO:0010894, OMIM 600496. Disease mechanism: loss of function.
Type 2 diabetes mellitus. Also called: Type II diabetes mellitus. Identifiers: MedGen C0011860, MeSH D003924, MONDO:0005148, OMIM 125853, HP:0005978.
Diabetes mellitus type 1 (T1D). Also called: Diabetes Mellitus, Juvenile-Onset; Type I diabetes mellitus. Identifiers: MedGen C0011854, MONDO:0005147, OMIM 222100, HP:0100651.
Hepatic adenomas, familial. Also called: HEPATIC ADENOMA, SOMATIC; LIVER CELL ADENOMAS, FAMILIAL. Identifiers: MedGen C1840646, MONDO:0007718, OMIM 142330.
Nonpapillary renal cell carcinoma. Identifiers: Orphanet 422526, MedGen CN074294, MONDO:0007763, OMIM 144700.
Type 1 diabetes mellitus 20 (T1D20). Also called: Diabetes mellitus, insulin-dependent, 20. Identifiers: MedGen C2675866, MONDO:0012919, OMIM 612520.

Allele frequency attached by ClinVar (database versions not stated): ExAC 0.00001; gnomAD 0.00001; TOPMed 0.00002.

Submissions (3):

Fulgent Genetics
Classification: Uncertain significance for Type 2 diabetes mellitus; Hepatic adenomas, familial; Nonpapillary renal cell carcinoma; Diabetes mellitus type 1; Maturity-onset diabetes of the young type 3; Type 1 diabetes mellitus 20. Last evaluated: 2024-04-29. Review status: criteria provided, single submitter. Criteria: ACMG Guidelines, 2015. Collection method: clinical testing. Allele origin: germline.

Labcorp Genetics (formerly Invitae), Labcorp
Classification: Uncertain significance. Last evaluated: 2024-03-26. Review status: criteria provided, single submitter. Criteria: Invitae Variant Classification Sherloc (09022015). Collection method: clinical testing. Allele origin: germline.
Comment: This sequence change replaces valine, which is neutral and non-polar, with methionine, which is neutral and non-polar, at codon 344 of the HNF1A protein (p.Val344Met). This variant is present in population databases (rs767616383, gnomAD 0.006%). This variant has not been reported in the literature in individuals affected with HNF1A-related conditions. ClinVar contains an entry for this variant (Variation ID: 1327091). Advanced modeling of protein sequence and biophysical properties (such as structural, functional, and spatial information, amino acid conservation, physicochemical variation, residue mobility, and thermodynamic stability) performed at Invitae indicates that this missense variant is not expected to disrupt HNF1A protein function with a negative predictive value of 80%. In summary, the available evidence is currently insufficient to determine the role of this variant in disease. Therefore, it has been classified as a Variant of Uncertain Significance.

Baylor Genetics
Classification: Uncertain significance for Type 1 diabetes mellitus 20. Last evaluated: 2021-02-09. Review status: criteria provided, single submitter. Criteria: ACMG Guidelines, 2015. Collection method: clinical testing. Allele origin: unknown. Affected: yes. Study: CSER-TexasKidsCanSeq.
Comment: This variant was determined to be of uncertain significance according to ACMG Guidelines, 2015 [PMID:25741868].

NM_000545.8(HNF1A):c.1030G>A (p.Val344Met)

Gene: HNF1A (HNF1 homeobox A; plus strand). Cytogenetic location: 12q24.31.
Variant type: single nucleotide variant.
Coding change: c.1030G>A on transcript NM_000545.8 (MANE Select); coding-DNA position 1030, G replaced by A.
Protein change: p.Val344Met; replaces valine 344 with methionine.
Molecular consequence: missense variant.
Genome position (GRCh38, 1-based): chr12:120,996,336, G>A. VCF-style: chr12-120996336-G-A. GRCh37 (hg19) VCF-style: chr12-121434139-G-A.
Other names: c.1030G>A, p.Val344Met (NM_001306179.2); short protein forms V344M.
Identifiers: ClinVar variation 1327091 (VCV001327091.10), dbSNP rs767616383, ClinGen allele CA6831911.